The following is an entry in ClinVar:

ClinVar aggregate classification (germline): Uncertain significance (1 of 4 stars; one submission).

Conditions:
Muscular dystrophy-dystroglycanopathy type B6 (MDDGB6). Also called: MUSCULAR DYSTROPHY-DYSTROGLYCANOPATHY (CONGENITAL WITH IMPAIRED INTELLECTUAL DEVELOPMENT), TYPE B, 6; MUSCULAR DYSTROPHY, CONGENITAL, LARGE-RELATED; MUSCULAR DYSTROPHY, CONGENITAL, TYPE 1D. Identifiers: MedGen C1837229, MONDO:0012138, OMIM 608840.

Allele frequency attached by ClinVar (database versions not stated): TOPMed below 0.00001; ExAC 0.00001; gnomAD 0.00001; 1000 Genomes Project 30x 0.00016; 1000 Genomes Project 0.00020.
gnomAD v4.1: 6 of 1,614,136 alleles (0.00037%); highest among the groups gnomAD compares: East Asian, 0.0022%; no homozygotes.

Submission:

Labcorp Genetics (formerly Invitae), Labcorp
Classification: Uncertain significance for Muscular dystrophy-dystroglycanopathy type B6. Last evaluated: 2022-03-04. Review status: criteria provided, single submitter. Criteria: Invitae Variant Classification Sherloc (09022015). Collection method: clinical testing. Allele origin: germline.
Comment: This sequence change replaces arginine, which is basic and polar, with cysteine, which is neutral and slightly polar, at codon 286 of the LARGE1 protein (p.Arg286Cys). This variant is present in population databases (rs576229534, gnomAD 0.003%). This variant has not been reported in the literature in individuals affected with LARGE1-related conditions. Algorithms developed to predict the effect of missense changes on protein structure and function are either unavailable or do not agree on the potential impact of this missense change (SIFT: "Deleterious"; PolyPhen-2: "Probably Damaging"; Align-GVGD: "Class C0"). In summary, the available evidence is currently insufficient to determine the role of this variant in disease. Therefore, it has been classified as a Variant of Uncertain Significance.

NM_133642.5(LARGE1):c.856C>T (p.Arg286Cys)

Gene: LARGE1 (LARGE xylosyl- and glucuronyltransferase 1; minus strand). Cytogenetic location: 22q12.3.
Variant type: single nucleotide variant.
Coding change: c.856C>T on transcript NM_133642.5 (MANE Select); coding-DNA position 856, C replaced by T.
Protein change: p.Arg286Cys; replaces arginine 286 with cysteine.
Molecular consequence: missense variant.
Genome position (GRCh38, 1-based): chr22:33,432,197, G>A on the plus strand (C>T on the coding strand, the complement: LARGE1 is on the minus strand). VCF-style: chr22-33432197-G-A. GRCh37 (hg19) VCF-style: chr22-33828183-G-A.
Other names: c.856C>T, p.Arg286Cys (NM_001362949.2, NM_001362951.2, NM_001362953.2 and 7 more transcripts); c.253C>T, p.Arg85Cys (NM_001378630.1, NM_001378631.1); short protein forms R85C, R286C.
Identifiers: ClinVar variation 1930814 (VCV001930814.2), dbSNP rs576229534, ClinGen allele CA10202925.